The following is an entry in ClinVar:

ClinVar aggregate classification (germline): Uncertain significance (1 of 4 stars; one submission).

Conditions:
Inborn genetic diseases. Identifiers: MedGen C0950123, MeSH D030342.

Submission:

Ambry Genetics
Classification: Uncertain significance for Inborn genetic diseases. Last evaluated: 2025-09-10. Review status: criteria provided, single submitter. Criteria: Ambry Variant Classification Scheme 2023. Collection method: clinical testing. Allele origin: germline.
Comment: The p.K1363T variant (also known as c.4088A>C), located in coding exon 41 of the FANCA gene, results from an A to C substitution at nucleotide position 4088. The lysine at codon 1363 is replaced by threonine, an amino acid with similar properties. This amino acid position is conserved. In addition, the in silico prediction for this alteration is inconclusive. Based on the available evidence, the clinical significance of this variant remains unclear.

NM_000135.4(FANCA):c.4088A>C (p.Lys1363Thr)

Genes: FANCA (FA complementation group A; minus strand), ZNF276 (zinc finger protein 276; plus strand). Cytogenetic location: 16q24.3.
Variant type: single nucleotide variant.
Coding change: c.4088A>C on transcript NM_000135.4 (MANE Select); coding-DNA position 4088, A replaced by C.
Protein change: p.Lys1363Thr; replaces lysine 1363 with threonine.
Molecular consequence: missense variant. On other transcripts: 3 prime UTR variant (2), non-coding transcript variant (4).
Genome position (GRCh38, 1-based): chr16:89,739,212, T>G on the plus strand (A>C on the coding strand, the complement: FANCA is on the minus strand). VCF-style: chr16-89739212-T-G. GRCh37 (hg19) VCF-style: chr16-89805620-T-G.
Other names: c.4088A>C, p.Lys1363Thr (NM_001286167.3); c.*966T>G (NM_001113525.2, NM_152287.4); short protein forms K1363T.
Identifiers: ClinVar variation 4254341 (VCV004254341.1).